The following is an entry in ClinVar:

NM_153240.5(NPHP3):c.671-996C>T

Genes: NPHP3 (nephrocystin 3; minus strand), NPHP3-ACAD11 (NPHP3-ACAD11 readthrough (NMD candidate); minus strand). Cytogenetic location: 3q22.1.
Variant type: single nucleotide variant.
Coding change: c.671-996C>T on transcript NM_153240.5 (MANE Select); 996 bases into the intron before coding-DNA position 671, C replaced by T.
Molecular consequence: intron variant.
Genome position (GRCh38, 1-based): chr3:132,717,905, G>A on the plus strand (C>T on the coding strand, the complement: NPHP3 is on the minus strand). VCF-style: chr3-132717905-G-A. GRCh37 (hg19) VCF-style: chr3-132436749-G-A.
Identifiers: ClinVar variation 3356469 (VCV003356469.1).

ClinVar aggregate classification (germline): Likely benign (0 of 4 stars; one submission).

Conditions:
NPHP3-related disorder. Also called: NPHP3-related disorders; NPHP3-related condition. Identifiers: MedGen CN379163.

Submission:

PreventionGenetics, part of Exact Sciences
Classification: Likely benign for NPHP3-related condition. Last evaluated: 2024-08-09. Review status: no assertion criteria provided. Collection method: clinical testing. Allele origin: germline.
Comment: This variant is classified as likely benign based on ACMG/AMP sequence variant interpretation guidelines (Richards et al. 2015 PMID: 25741868, with internal and published modifications).